The following is an entry in ClinVar:

ClinVar aggregate classification (germline): Uncertain significance. Review status: criteria provided, multiple submitters, no conflicts (2 of 4 stars). 3 submissions from 3 submitters: Uncertain significance (3). Last evaluated 2026-05-05.

Conditions:
Inborn genetic diseases. Identifiers: MedGen C0950123, MeSH D030342.
Combined oxidative phosphorylation defect type 27. Also called: Combined oxidative phosphorylation deficiency 27. Identifiers: Orphanet 477774, MedGen C5567608, MONDO:0014728, OMIM 616672.

Allele frequency attached by ClinVar (database versions not stated): gnomAD 0.00015 and 0.00017; TOPMed 0.00047; 1000 Genomes Project 0.00080; gnomAD exomes 0.00006 and 0.00009; ExAC 0.00012; 1000 Genomes Project 30x 0.00078; ESP Exome Variant Server 0.00015.

Submissions (3):

GeneDx
Classification: Uncertain significance. Last evaluated: 2026-05-05. Review status: criteria provided, single submitter. Criteria: GeneDx Variant Classification Process June 2021. Collection method: clinical testing. Allele origin: germline.
Comment: In silico analysis suggests that this missense variant does not alter protein structure/function; Has not been previously published as pathogenic or benign to our knowledge

Labcorp Genetics (formerly Invitae), Labcorp
Classification: Uncertain significance for Combined oxidative phosphorylation defect type 27. Last evaluated: 2022-09-07. Review status: criteria provided, single submitter. Criteria: Invitae Variant Classification Sherloc (09022015). Collection method: clinical testing. Allele origin: germline.
Comment: This sequence change replaces methionine, which is neutral and non-polar, with valine, which is neutral and non-polar, at codon 381 of the CARS2 protein (p.Met381Val). This variant is present in population databases (rs148857540, gnomAD 0.02%). This variant has not been reported in the literature in individuals affected with CARS2-related conditions. ClinVar contains an entry for this variant (Variation ID: 521236). Algorithms developed to predict the effect of missense changes on protein structure and function output the following: SIFT: "Tolerated"; PolyPhen-2: "Benign"; Align-GVGD: "Class C0". The valine amino acid residue is found in multiple mammalian species, which suggests that this missense change does not adversely affect protein function. In summary, the available evidence is currently insufficient to determine the role of this variant in disease. Therefore, it has been classified as a Variant of Uncertain Significance.

Ambry Genetics
Classification: Uncertain significance for Inborn genetic diseases. Last evaluated: 2016-09-08. Review status: criteria provided, single submitter. Criteria: Ambry exome assertion method (8-5-2015). Collection method: clinical testing. Allele origin: germline. Affected: yes. Observed: 1 variant allele.

NM_024537.4(CARS2):c.1141A>G (p.Met381Val)

Gene: CARS2 (cysteinyl-tRNA synthetase 2, mitochondrial; minus strand). Cytogenetic location: 13q34.
Variant type: single nucleotide variant.
Coding change: c.1141A>G on transcript NM_024537.4 (MANE Select); coding-DNA position 1141, A replaced by G.
Protein change: p.Met381Val; replaces methionine 381 with valine.
Molecular consequence: missense variant. On other transcripts: non-coding transcript variant (2).
Genome position (GRCh38, 1-based): chr13:110,647,153, T>C on the plus strand (A>G on the coding strand, the complement: CARS2 is on the minus strand). VCF-style: chr13-110647153-T-C. GRCh37 (hg19) VCF-style: chr13-111299500-T-C.
Other names: c.355A>G, p.Met119Val (NM_001352252.2); short protein forms M381V, M119V.
Identifiers: ClinVar variation 521236 (VCV000521236.11), dbSNP rs148857540, ClinGen allele CA7051896.